The following is an entry in ClinVar:

NM_001146079.2(CLDN14):c.715G>A (p.Val239Met)

Genes: CLDN14 (claudin 14; minus strand), CLDN14-AS1 (CLDN14 antisense RNA 1; plus strand). Cytogenetic location: 21q22.13.
Variant type: single nucleotide variant.
Coding change: c.715G>A on transcript NM_001146079.2 (MANE Select); coding-DNA position 715, G replaced by A.
Protein change: p.Val239Met; replaces valine 239 with methionine.
Molecular consequence: missense variant.
Genome position (GRCh38, 1-based): chr21:36,460,981, C>T on the plus strand (G>A on the coding strand, the complement: CLDN14 is on the minus strand). VCF-style: chr21-36460981-C-T. GRCh37 (hg19) VCF-style: chr21-37833279-C-T.
Other names: c.715G>A (NM_144492.2); c.715G>A, p.Val239Met (NM_001146077.2, NM_001146078.3, NM_012130.4 and 1 more transcripts); short protein forms V239M.
Identifiers: ClinVar variation 2189001 (VCV002189001.6), dbSNP rs201218449, ClinGen allele CA10019195.

ClinVar aggregate classification (germline): Uncertain significance. Review status: criteria provided, multiple submitters, no conflicts (2 of 4 stars). 2 submissions from 2 submitters: Uncertain significance (2). Last evaluated 2024-02-17.

Conditions:
Inborn genetic diseases. Identifiers: MedGen C0950123, MeSH D030342.

Allele frequency attached by ClinVar (database versions not stated): ExAC 0.00002; gnomAD 0.00003; gnomAD exomes 0.00004; TOPMed 0.00004; 1000 Genomes Project 30x 0.00016; 1000 Genomes Project 0.00020.
gnomAD v4.1: 58 of 1,612,416 alleles (0.0036%); highest among the groups gnomAD compares: Admixed American, 0.015%; no homozygotes.

Submissions (2):

Labcorp Genetics (formerly Invitae), Labcorp
Classification: Uncertain significance. Last evaluated: 2024-02-17. Review status: criteria provided, single submitter. Criteria: Invitae Variant Classification Sherloc (09022015). Collection method: clinical testing. Allele origin: germline.
Comment: This sequence change replaces valine, which is neutral and non-polar, with methionine, which is neutral and non-polar, at codon 239 of the CLDN14 protein (p.Val239Met). This variant is present in population databases (rs201218449, gnomAD 0.01%). This variant has not been reported in the literature in individuals affected with CLDN14-related conditions. ClinVar contains an entry for this variant (Variation ID: 2189001). An algorithm developed to predict the effect of missense changes on protein structure and function (PolyPhen-2) suggests that this variant is likely to be disruptive. In summary, the available evidence is currently insufficient to determine the role of this variant in disease. Therefore, it has been classified as a Variant of Uncertain Significance.

Ambry Genetics
Classification: Uncertain significance for Inborn genetic diseases. Last evaluated: 2023-02-13. Review status: criteria provided, single submitter. Criteria: Ambry Variant Classification Scheme 2023. Collection method: clinical testing. Allele origin: germline.